The following is an entry in ClinVar:

ClinVar aggregate classification (germline): Uncertain significance (1 of 4 stars; one submission).

Conditions:
Medium-chain acyl-coenzyme A dehydrogenase deficiency (ACADMD). Also called: Medium chain acyl-CoA dehydrogenase deficiency; ACADM DEFICIENCY; CARNITINE DEFICIENCY SECONDARY TO MEDIUM-CHAIN ACYL-CoA DEHYDROGENASE DEFICIENCY; MCADH DEFICIENCY; MCADD; MCAD Deficiency. Identifiers: Orphanet 42, MedGen C0220710, MONDO:0008721, OMIM 201450.

Submission:

Labcorp Genetics (formerly Invitae), Labcorp
Classification: Uncertain significance for Medium-chain acyl-coenzyme A dehydrogenase deficiency. Last evaluated: 2018-04-23. Review status: criteria provided, single submitter. Criteria: Invitae Variant Classification Sherloc (09022015). Collection method: clinical testing. Allele origin: germline.
Comment: This variant has not been reported in the literature in individuals with ACADM-related disease. Algorithms developed to predict the effect of missense changes on protein structure and function (SIFT, PolyPhen-2, Align-GVGD) all suggest that this variant is likely to be tolerated, but these predictions have not been confirmed by published functional studies and their clinical significance is uncertain. In summary, the available evidence is currently insufficient to determine the role of this variant in disease. Therefore, it has been classified as a Variant of Uncertain Significance. This sequence change replaces glutamine with glutamic acid at codon 338 of the ACADM protein (p.Gln338Glu). The glutamine residue is moderately conserved and there is a small physicochemical difference between glutamine and glutamic acid. This variant is not present in population databases (ExAC no frequency).

NM_000016.6(ACADM):c.1012C>G (p.Gln338Glu)

Gene: ACADM (acyl-CoA dehydrogenase medium chain; plus strand). Cytogenetic location: 1p31.1.
Variant type: single nucleotide variant.
Coding change: c.1012C>G on transcript NM_000016.6 (MANE Select); coding-DNA position 1012, C replaced by G.
Protein change: p.Gln338Glu; replaces glutamine 338 with glutamic acid.
Molecular consequence: missense variant.
Genome position (GRCh38, 1-based): chr1:75,761,188, C>G. VCF-style: chr1-75761188-C-G. GRCh37 (hg19) VCF-style: chr1-76226873-C-G.
Other names: c.1024C>G, p.Gln342Glu (NM_001127328.3); c.904C>G, p.Gln302Glu (NM_001286042.2); c.1111C>G, p.Gln371Glu (NM_001286043.2); c.445C>G, p.Gln149Glu (NM_001286044.2); short protein forms Q338E, Q342E, Q149E, Q302E, Q371E.
Identifiers: ClinVar variation 203541 (VCV000203541.8), dbSNP rs796051896, ClinGen allele CA312181.